The following is an entry in ClinVar:

ClinVar aggregate classification (germline): Benign/Likely benign. Review status: criteria provided, multiple submitters, no conflicts (2 of 4 stars). 2 submissions from 2 submitters: Benign (1); Likely benign (1). Last evaluated 2025-11-22.

Conditions:
BAP1-related tumor predisposition syndrome (TPDS1). Also called: Tumor susceptibility linked to germline BAP1 mutations; COMMON Syndrome; TUMOR PREDISPOSITION SYNDROME 1; BAP1 tumor predisposition syndrome. Identifiers: Orphanet 289539, MedGen C3280492, MONDO:0013692, OMIM 614327.

Submissions (2):

Labcorp Genetics (formerly Invitae), Labcorp
Classification: Likely benign for BAP1-related tumor predisposition syndrome. Last evaluated: 2025-11-22. Review status: criteria provided, single submitter. Criteria: Invitae Variant Classification Sherloc (09022015). Collection method: clinical testing. Allele origin: germline.

Myriad Genetics, Inc.
Classification: Benign for BAP1-related tumor predisposition syndrome. Last evaluated: 2024-07-16. Review status: criteria provided, single submitter. Criteria: Myriad Autosomal Dominant, Autosomal Recessive and X-Linked Classification Criteria (2023). Collection method: clinical testing. Allele origin: unknown.
Comment: This variant is considered benign. This variant is a silent/synonymous amino acid change and it is not expected to impact splicing.

NM_004656.4(BAP1):c.1485G>C (p.Thr495=)

Gene: BAP1 (BRCA1 associated deubiquitinase 1; minus strand). Cytogenetic location: 3p21.1.
Variant type: single nucleotide variant.
Coding change: c.1485G>C on transcript NM_004656.4 (MANE Select); coding-DNA position 1485, G replaced by C.
Protein change: p.Thr495=; no amino-acid change (threonine 495 retained).
Molecular consequence: synonymous variant.
Genome position (GRCh38, 1-based): chr3:52,403,660, C>G on the plus strand (G>C on the coding strand, the complement: BAP1 is on the minus strand). VCF-style: chr3-52403660-C-G. GRCh37 (hg19) VCF-style: chr3-52437676-C-G.
Other names: c.1431G>C, p.Thr477= (NM_001410772.1).
Identifiers: ClinVar variation 3379142 (VCV003379142.2).